The following is an entry in ClinVar:

NM_144687.4(NLRP12):c.358A>C (p.Thr120Pro)

Gene: NLRP12 (NLR family pyrin domain containing 12; minus strand). Cytogenetic location: 19q13.42.
Variant type: single nucleotide variant.
Coding change: c.358A>C on transcript NM_144687.4 (MANE Select); coding-DNA position 358, A replaced by C.
Protein change: p.Thr120Pro; replaces threonine 120 with proline.
Molecular consequence: missense variant.
Genome position (GRCh38, 1-based): chr19:53,814,920, T>G on the plus strand (A>C on the coding strand, the complement: NLRP12 is on the minus strand). VCF-style: chr19-53814920-T-G. GRCh37 (hg19) VCF-style: chr19-54318174-T-G.
Other names: c.358A>C, p.Thr120Pro (NM_001277126.2, NM_001277129.1); short protein forms T120P.
Identifiers: ClinVar variation 450663 (VCV000450663.3), dbSNP rs760912202, ClinGen allele CA9639758.

ClinVar aggregate classification (germline): Uncertain significance. Review status: criteria provided, multiple submitters, no conflicts (2 of 4 stars). 2 submissions from 2 submitters: Uncertain significance (2). Last evaluated 2025-02-02.

Conditions:
Familial cold autoinflammatory syndrome 2 (FCAS2). Identifiers: Orphanet 247868, MedGen C2673198, MONDO:0012724, OMIM 611762.

Allele frequency attached by ClinVar (database versions not stated): gnomAD exomes below 0.00001; TOPMed below 0.00001; ExAC 0.00001.
gnomAD v4.1: 8 of 1,613,540 alleles (0.0005%); highest among the groups gnomAD compares: Non-Finnish European, 0.00068%; no homozygotes.

Submissions (2):

Labcorp Genetics (formerly Invitae), Labcorp
Classification: Uncertain significance for Familial cold autoinflammatory syndrome 2. Last evaluated: 2025-02-02. Review status: criteria provided, single submitter. Criteria: Invitae Variant Classification Sherloc (09022015). Collection method: clinical testing. Allele origin: germline.
Comment: This sequence change replaces threonine, which is neutral and polar, with proline, which is neutral and non-polar, at codon 120 of the NLRP12 protein (p.Thr120Pro). This variant is present in population databases (rs760912202, gnomAD 0.0009%). This variant has not been reported in the literature in individuals affected with NLRP12-related conditions. ClinVar contains an entry for this variant (Variation ID: 450663). An algorithm developed to predict the effect of missense changes on protein structure and function outputs the following: PolyPhen-2: "Benign". The proline amino acid residue is found in multiple mammalian species, which suggests that this missense change does not adversely affect protein function. In summary, the available evidence is currently insufficient to determine the role of this variant in disease. Therefore, it has been classified as a Variant of Uncertain Significance.

GeneDx
Classification: Uncertain significance. Last evaluated: 2017-07-18. Review status: criteria provided, single submitter. Criteria: GeneDx Variant Classification (06012015). Collection method: clinical testing. Allele origin: germline. Affected: yes.
Comment: The T120P variant in the NLRP12 gene has not been reported previously as a pathogenic variant, nor as a benign variant, to our knowledge. The T120P variant is observed in 1/66732 (0.0015%) alleles from individuals of non-Finnish European background, in the ExAC dataset (Lek et al., 2016). The . The T120P variant is a non-conservative amino acid substitution, which is likely to impact secondary protein structure as these residues differ in polarity, charge, size and/or other properties. This substitution occurs at a position that is not conserved. In silico analysis predicts this variant likely does not alter the protein structure/function. We interpret T120P as a variant of uncertain significance.